The following is an entry in ClinVar:

ClinVar aggregate classification (germline): Likely benign. Review status: criteria provided, multiple submitters, no conflicts (2 of 4 stars). 2 submissions from 2 submitters: Likely benign (2). Last evaluated 2025-03-27.

Conditions:
Joubert syndrome. Also called: JOUBERT-BOLTSHAUSER SYNDROME; Familial aplasia of the vermis. Identifiers: Orphanet 475, MedGen C5979921, MONDO:0018772.
Meckel-Gruber syndrome. Also called: GRUBER SYNDROME; DYSENCEPHALIA SPLANCHNOCYSTICA; Dysencephalia splachnocystica. Identifiers: Orphanet 564, MedGen C0265215, MONDO:0018921.
RPGRIP1L-related disorder. Also called: RPGRIP1L-related condition; RPGRIP1L-related disorders. Identifiers: MedGen CN239416.

Allele frequency attached by ClinVar (database versions not stated): gnomAD exomes 0.00001.

Submissions (2):

PreventionGenetics, part of Exact Sciences
Classification: Likely benign for RPGRIP1L-related condition. Last evaluated: 2025-03-27. Review status: criteria provided, single submitter. Criteria: ACMG Guidelines, 2015. Collection method: clinical testing. Allele origin: germline.
Comment: This variant is classified as likely benign based on ACMG/AMP sequence variant interpretation guidelines (Richards et al. 2015 PMID: 25741868, with internal and published modifications).

Labcorp Genetics (formerly Invitae), Labcorp
Classification: Likely benign for Joubert syndrome; Meckel-Gruber syndrome. Last evaluated: 2024-11-11. Review status: criteria provided, single submitter. Criteria: Invitae Variant Classification Sherloc (09022015). Collection method: clinical testing. Allele origin: germline.

NM_015272.5(RPGRIP1L):c.3333G>A (p.Ala1111=)

Gene: RPGRIP1L (RPGRIP1 like; minus strand). Cytogenetic location: 16q12.2.
Variant type: single nucleotide variant.
Coding change: c.3333G>A on transcript NM_015272.5 (MANE Select); coding-DNA position 3333, G replaced by A.
Protein change: p.Ala1111=; no amino-acid change (alanine 1111 retained).
Molecular consequence: synonymous variant. On other transcripts: intron variant (2).
Genome position (GRCh38, 1-based): chr16:53,622,318, C>T on the plus strand (G>A on the coding strand, the complement: RPGRIP1L is on the minus strand). VCF-style: chr16-53622318-C-T. GRCh37 (hg19) VCF-style: chr16-53656230-C-T.
Other names: c.3231G>A, p.Ala1077= (NM_001330538.2); c.3193-3110G>A (NM_001127897.4); c.3295-3110G>A (NM_001308334.3); c.3333G>A (NM_015272.4).
Identifiers: ClinVar variation 1626214 (VCV001626214.9), dbSNP rs1017593402, ClinGen allele CA281358346.